The following is an entry in ClinVar:

ClinVar aggregate classification (germline): Likely benign (1 of 4 stars; one submission).

Conditions:
VPS33B-related disorder. Also called: VPS33B-related condition.

gnomAD v4.1: 2 of 1,614,054 alleles (0.00012%); highest among the groups gnomAD compares: Admixed American, 0.0033%; no homozygotes.

Submission:

PreventionGenetics, part of Exact Sciences
Classification: Likely benign for VPS33B-related condition. Last evaluated: 2026-01-30. Review status: criteria provided, single submitter. Criteria: ACMG Guidelines, 2015. Collection method: clinical testing. Allele origin: germline.
Comment: This variant is classified as likely benign based on ACMG/AMP sequence variant interpretation guidelines (Richards et al. 2015 PMID: 25741868, with internal and published modifications).

NM_018668.5(VPS33B):c.1031-7C>T

Gene: VPS33B (VPS33B late endosome and lysosome associated; minus strand). Cytogenetic location: 15q26.1.
Variant type: single nucleotide variant.
Coding change: c.1031-7C>T on transcript NM_018668.5 (MANE Select); 7 bases into the intron before coding-DNA position 1031, C replaced by T.
Molecular consequence: intron variant.
Genome position (GRCh38, 1-based): chr15:91,005,461, G>A on the plus strand (C>T on the coding strand, the complement: VPS33B is on the minus strand). VCF-style: chr15-91005461-G-A. GRCh37 (hg19) VCF-style: chr15-91548691-G-A.
Other names: c.950-7C>T (NM_001289148.1); c.758-7C>T (NM_001289149.1).
Identifiers: ClinVar variation 4982556 (VCV004982556.1).